The following is an entry in ClinVar:

NM_000157.4(GBA1):c.1162G>A (p.Glu388Lys)

Genes: GBA1 (glucosylceramidase beta 1; minus strand), LOC106627981 (GBA recombination region; plus strand). Cytogenetic location: 1q22.
Variant type: single nucleotide variant.
Coding change: c.1162G>A on transcript NM_000157.4 (MANE Select); coding-DNA position 1162, G replaced by A.
Protein change: p.Glu388Lys; replaces glutamic acid 388 with lysine.
Molecular consequence: missense variant.
Genome position (GRCh38, 1-based): chr1:155,236,307, C>T on the plus strand (G>A on the coding strand, the complement: GBA1 is on the minus strand). VCF-style: chr1-155236307-C-T. GRCh37 (hg19) VCF-style: chr1-155206098-C-T.
Other names: c.1162G>A (NM_001005741.2, NM_000157.3); c.1162G>A, p.Glu388Lys (NM_001005741.3, NM_001005742.3); c.901G>A, p.Glu301Lys (NM_001171811.2); c.1015G>A, p.Glu339Lys (NM_001171812.2); short protein forms E301K, E339K, E388K.
Identifiers: ClinVar variation 2440415 (VCV002440415.6), dbSNP rs1161552095, ClinGen allele CA342715231.

ClinVar aggregate classification (germline): Conflicting classifications of pathogenicity. Review status: criteria provided, conflicting classifications (1 of 4 stars). 4 submissions from 4 submitters: Likely pathogenic (2); Uncertain significance (1). 1 of the submissions does not count toward it. Last evaluated 2025-07-08.

Conditions:
Gaucher disease. Also called: Acute cerebral Gaucher disease; Cerebroside lipidosis syndrome; Gaucher splenomegaly; Sphingolipidosis 1; Glucocerebrosidosis; Glucosylceramidase deficiency. Identifiers: Orphanet 355, MedGen C0017205, MONDO:0018150.
GBA1-related disorder. Also called: GBA1-related condition.

Allele frequency attached by ClinVar (database versions not stated): gnomAD exomes below 0.00001; gnomAD 0.00001.
gnomAD v4.1: 3 of 1,614,054 alleles (0.00019%); highest among the groups gnomAD compares: South Asian, 0.0011%; no homozygotes.

Submissions (4):

Natera, Inc.
Classification: Likely pathogenic for Gaucher disease. Last evaluated: 2025-07-08. Review status: criteria provided, single submitter. Criteria: Natera Variant Classification Schema (03/2026). Collection method: clinical testing. Allele origin: germline.
Comment: The c.1162G>A variant in GBA1 is a missense variant predicted to cause substitution of glutamic acid to lysine at amino acid 388. This variant is rare in the general population with a frequency below the threshold expected for the associated phenotype(s). This variant has been observed in one or more individuals affected with the associated recessive disease, as either homozygous or compound heterozygous with a second variant (PMID: 23430543, 31799121, 38474117). Additionally, this variant has been observed to segregate in affected family members (PMID: 31799121). Functional studies show that this variant may disrupt protein function (PMID: 16293621). Given the available evidence, this variant is classified as Likely Pathogenic.

Blueprint Genetics
Classification: Uncertain significance. Last evaluated: 2024-01-05. Review status: criteria provided, single submitter. Criteria: ACMG Guidelines, 2015. Collection method: clinical testing. Allele origin: germline.

Revvity Omics, Revvity
Classification: Likely pathogenic. Last evaluated: 2022-06-22. Review status: criteria provided, single submitter. Criteria: ACMG Guidelines, 2015. Collection method: clinical testing. Allele origin: germline.

PreventionGenetics, part of Exact Sciences
Classification: Likely pathogenic for GBA1-related condition. Last evaluated: 2024-09-04. Review status: no assertion criteria provided. Collection method: clinical testing. Allele origin: germline. Not counted in ClinVar's aggregate classification.
Comment: The GBA1 c.1162G>A variant is predicted to result in the amino acid substitution p.Glu388Lys. This variant, sometimes described as E349K using legacy nomenclature, has been reported in three patients, including two siblings, with a clinical diagnosis of Gaucher disease and reduced beta-glucocerebrosidase activity in leukocytes and/or fibroblasts (Siebert et al. 2013. PubMed ID: 23430543; Paskulin et al. 2019. PubMed ID: 31799121). Consistent with this, biochemical studies in vitro suggest this variant results in significantly reduced enzymatic activity (Liou et al. 2006. PubMed ID: 16293621). This variant is reported in 0.0033% of alleles in individuals of South Asian descent in gnomAD. Based on the available evidence, this variant is interpreted as likely pathogenic.

Literature cited by the submitters: PubMed 23430543 (cited by Natera, Inc.); PubMed 31799121 (cited by Natera, Inc.); PubMed 38474117 (cited by Natera, Inc.); PubMed 16293621 (cited by Natera, Inc.).